The following is an entry in ClinVar:

ClinVar aggregate classification (germline): Uncertain significance (1 of 4 stars; one submission).

Conditions:
Familial adenomatous polyposis 1 (FAP1). Also called: FAMILIAL ADENOMATOUS POLYPOSIS 1, ATTENUATED; POLYPOSIS, ADENOMATOUS INTESTINAL. Identifiers: MedGen C2713442, MONDO:0021056, OMIM 175100. Disease mechanism: loss of function.

Allele frequency attached by ClinVar (database versions not stated): gnomAD 0.00001.

Submission:

Labcorp Genetics (formerly Invitae), Labcorp
Classification: Uncertain significance for Familial adenomatous polyposis 1. Last evaluated: 2023-10-26. Review status: criteria provided, single submitter. Criteria: Invitae Variant Classification Sherloc (09022015). Collection method: clinical testing. Allele origin: germline.
Comment: This variant occurs in a non-coding region of the APC gene. It does not change the encoded amino acid sequence of the APC protein. This variant is not present in population databases (gnomAD no frequency). This variant has not been reported in the literature in individuals affected with APC-related conditions. Experimental studies and prediction algorithms are not available or were not evaluated, and the functional significance of this variant is currently unknown. In summary, the available evidence is currently insufficient to determine the role of this variant in disease. Therefore, it has been classified as a Variant of Uncertain Significance.

NM_001127511.3(APC):c.104G>C (p.Arg35Pro)

Gene: APC (APC regulator of Wnt signaling pathway; plus strand). Cytogenetic location: 5q22.2.
Variant type: single nucleotide variant.
Coding change: c.104G>C on transcript NM_001127511.3; coding-DNA position 104, G replaced by C.
Protein change: p.Arg35Pro; replaces arginine 35 with proline.
Molecular consequence: missense variant. On other transcripts: 5 prime UTR variant (8), non-coding transcript variant (1), intron variant (5).
Genome position (GRCh38, 1-based): chr5:112,707,821, G>C. VCF-style: chr5-112707821-G-C. GRCh37 (hg19) VCF-style: chr5-112043518-G-C.
Other names: c.-80G>C (NM_001354895.2, NM_001407447.1, NM_001407452.1 and 3 more transcripts); c.104G>C, p.Arg35Pro (NM_001354897.2, NM_001354902.2, NM_001407446.1); c.-1115G>C (NM_001407470.1, NM_001407472.1); c.-19+172G>C (NM_001407448.1, NM_001407450.1, NM_001407457.1 and 1 more transcripts); c.-43+172G>C (NM_001407453.1); short protein forms R35P.
Identifiers: ClinVar variation 1508164 (VCV001508164.6), dbSNP rs1750611869, ClinGen allele CA360611993.